The following is an entry in ClinVar:

ClinVar aggregate classification (germline): Likely benign. Review status: criteria provided, multiple submitters, no conflicts (2 of 4 stars). 2 submissions from 2 submitters: Likely benign (2). Last evaluated 2023-12-13.

Allele frequency attached by ClinVar (database versions not stated): gnomAD exomes below 0.00001; ExAC 0.00001; ESP Exome Variant Server 0.00008.
gnomAD v4.1: 6 of 1,614,088 alleles (0.00037%); highest among the groups gnomAD compares: Non-Finnish European, 0.00051%; no homozygotes.

Submissions (2):

Labcorp Genetics (formerly Invitae), Labcorp
Classification: Likely benign. Last evaluated: 2023-12-13. Review status: criteria provided, single submitter. Criteria: Invitae Variant Classification Sherloc (09022015). Collection method: clinical testing. Allele origin: germline.

CeGaT Center for Human Genetics Tuebingen
Classification: Likely benign. Last evaluated: 2022-07-01. Review status: criteria provided, single submitter. Criteria: CeGaT Center For Human Genetics Tuebingen Variant Classification Criteria Version 2. Collection method: clinical testing. Allele origin: germline. Affected: yes. Observed: 1 variant allele.
Comment: MTOR: BP4, BP7

NM_004958.4(MTOR):c.4867C>T (p.Leu1623=)

Genes: MTOR (mechanistic target of rapamycin kinase; minus strand), MTOR-AS1 (MTOR antisense RNA 1; plus strand). Cytogenetic location: 1p36.22.
Variant type: single nucleotide variant.
Coding change: c.4867C>T on transcript NM_004958.4 (MANE Select); coding-DNA position 4867, C replaced by T.
Protein change: p.Leu1623=; no amino-acid change (leucine 1623 retained).
Molecular consequence: synonymous variant.
Genome position (GRCh38, 1-based): chr1:11,144,653, G>A on the plus strand (C>T on the coding strand, the complement: MTOR is on the minus strand). VCF-style: chr1-11144653-G-A. GRCh37 (hg19) VCF-style: chr1-11204710-G-A.
Identifiers: ClinVar variation 729548 (VCV000729548.30), dbSNP rs375937335, ClinGen allele CA589532.